The following is an entry in ClinVar:

NM_178172.6(GPIHBP1):c.295G>A (p.Glu99Lys)

Gene: GPIHBP1 (glycosylphosphatidylinositol anchored high density lipoprotein binding protein 1; plus strand). Cytogenetic location: 8q24.3.
Variant type: single nucleotide variant.
Coding change: c.295G>A on transcript NM_178172.6 (MANE Select); coding-DNA position 295, G replaced by A.
Protein change: p.Glu99Lys; replaces glutamic acid 99 with lysine.
Molecular consequence: missense variant.
Genome position (GRCh38, 1-based): chr8:143,215,126, G>A. VCF-style: chr8-143215126-G-A. GRCh37 (hg19) VCF-style: chr8-144297001-G-A.
Other names: c.295G>A, p.Glu99Lys (NM_001301772.2); short protein forms E99K.
Identifiers: ClinVar variation 290245 (VCV000290245.9), dbSNP rs147455726, ClinGen allele CA4907069.
Genomic context (GRCh38, chr8:143,215,126, plus strand): 5'-CTGACGCAGAACTGCTCACATGGCCAGACCTGCACAACCCTCATTGCCCACGGGAACACC[G>A]GTAAGTGGGCGTGGGGCCGCAGCACATGCACCCCCAGGCGGCGGGAAAGCCAGGGGCCCG-3'
Protein context (NP_835466.2, residues 89-109): CTTLIAHGNT[Glu99Lys]SGLLTTHSTW

ClinVar aggregate classification (germline): Uncertain significance. Review status: criteria provided, multiple submitters, no conflicts (2 of 4 stars). 3 submissions from 3 submitters: Uncertain significance (3). Last evaluated 2025-09-24.

Allele frequency attached by ClinVar (database versions not stated): TOPMed 0.00006; gnomAD 0.00008; ESP Exome Variant Server 0.00015.

Submissions (4):

Labcorp Genetics (formerly Invitae), Labcorp
Classification: Uncertain significance. Last evaluated: 2025-09-24. Review status: criteria provided, single submitter. Criteria: Invitae Variant Classification Sherloc (09022015). Collection method: clinical testing. Allele origin: germline.
Comment: This sequence change affects codon 99 of the GPIHBP1 mRNA. It is a 'silent' change, meaning that it does not change the encoded amino acid sequence of the GPIHBP1 protein. This variant also falls at the last nucleotide of exon 3, which is part of the consensus splice site for this exon. This variant is present in population databases (rs147455726, gnomAD 0.02%). This variant has been observed in individual(s) with suspected genetic dyslipidemia (PMID: 36325899). ClinVar contains an entry for this variant (Variation ID: 290245). An algorithm developed to predict the effect of missense changes on protein structure and function (PolyPhen-2) suggests that this variant is likely to be disruptive. Variants that disrupt the consensus splice site are a relatively common cause of aberrant splicing (PMID: 17576681, 9536098). In summary, the available evidence is currently insufficient to determine the role of this variant in disease. Therefore, it has been classified as a Variant of Uncertain Significance.

Blueprint Genetics
Classification: Uncertain significance. Last evaluated: 2024-01-18. Review status: criteria provided, single submitter. Criteria: ACMG Guidelines, 2015. Collection method: clinical testing. Allele origin: germline.

Eurofins Ntd Llc (ga)
Classification: Uncertain significance. Last evaluated: 2016-08-11. Review status: criteria provided, single submitter. Criteria: EGL Classification Definitions 2015. Collection method: clinical testing. Allele origin: germline. Observed: 1 variant allele, 1 heterozygote.

Dr. Peter K. Rogan Lab, Western University
No classification provided (evidence only). Condition: Gastric cancer. Review status: no classification provided. Collection method: in vitro. Allele origin: not applicable. Functional consequence: retained intron. Not counted in ClinVar's aggregate classification.

Literature cited by the submitters: PubMed 36325899 (cited by Labcorp Genetics (formerly Invitae), Labcorp); PubMed 17576681 (cited by Labcorp Genetics (formerly Invitae), Labcorp); PubMed 9536098 (cited by Labcorp Genetics (formerly Invitae), Labcorp).